The following is an entry in ClinVar:

ClinVar aggregate classification (germline): Uncertain significance. Review status: criteria provided, multiple submitters, no conflicts (2 of 4 stars). 2 submissions from 2 submitters: Uncertain significance (2). Last evaluated 2019-03-27.

Conditions:
Familial meningioma. Also called: Meningioma, familial, susceptibility to. Identifiers: Orphanet 263662, MedGen C3551915, MONDO:0011789, OMIM 607174.
Hereditary cancer-predisposing syndrome. Also called: Neoplastic Syndromes, Hereditary; Tumor predisposition; Hereditary neoplastic syndrome; Hereditary Cancer Syndrome. Identifiers: Orphanet 140162, MedGen C0027672, MeSH D009386, MONDO:0015356.

Submissions (2):

Ambry Genetics
Classification: Uncertain significance for Hereditary cancer-predisposing syndrome. Last evaluated: 2019-03-27. Review status: criteria provided, single submitter. Criteria: Ambry Variant Classification Scheme 2023. Collection method: clinical testing. Allele origin: germline.
Comment: The p.E250D variant (also known as c.750A>C), located in coding exon 8 of the SMARCE1 gene, results from an A to C substitution at nucleotide position 750. The glutamic acid at codon 250 is replaced by aspartic acid, an amino acid with highly similar properties. This amino acid position is highly conserved through mammals, but not in lower in available vertebrate species. In addition, this alteration is predicted to be tolerated by in silico analysis. Since supporting evidence is limited at this time, the clinical significance of this alteration remains unclear.

Labcorp Genetics (formerly Invitae), Labcorp
Classification: Uncertain significance for Familial meningioma. Last evaluated: 2019-01-28. Review status: criteria provided, single submitter. Criteria: Invitae Variant Classification Sherloc (09022015). Collection method: clinical testing. Allele origin: germline.
Comment: In summary, the available evidence is currently insufficient to determine the role of this variant in disease. Therefore, it has been classified as a Variant of Uncertain Significance. Algorithms developed to predict the effect of missense changes on protein structure and function (SIFT, PolyPhen-2, Align-GVGD) all suggest that this variant is likely to be tolerated, but these predictions have not been confirmed by published functional studies and their clinical significance is uncertain. This variant has not been reported in the literature in individuals with SMARCE1-related conditions. This variant is not present in population databases (ExAC no frequency). This sequence change replaces glutamic acid with aspartic acid at codon 250 of the SMARCE1 protein (p.Glu250Asp). The glutamic acid residue is moderately conserved and there is a small physicochemical difference between glutamic acid and aspartic acid.

NM_003079.5(SMARCE1):c.750A>C (p.Glu250Asp)

Gene: SMARCE1 (SWI/SNF related BAF chromatin remodeling complex subunit E1; minus strand). Cytogenetic location: 17q21.2.
Variant type: single nucleotide variant.
Coding change: c.750A>C on transcript NM_003079.5 (MANE Select); coding-DNA position 750, A replaced by C.
Protein change: p.Glu250Asp; replaces glutamic acid 250 with aspartic acid.
Molecular consequence: missense variant.
Genome position (GRCh38, 1-based): chr17:40,631,658, T>G on the plus strand (A>C on the coding strand, the complement: SMARCE1 is on the minus strand). VCF-style: chr17-40631658-T-G. GRCh37 (hg19) VCF-style: chr17-38787910-T-G.
Other names: short protein forms E250D.
Identifiers: ClinVar variation 827092 (VCV000827092.14), dbSNP rs1555605350, ClinGen allele CA399364440.